The following is an entry in ClinVar:

NM_004168.4(SDHA):c.1260+2T>A

Gene: SDHA (succinate dehydrogenase complex flavoprotein subunit A; plus strand). Cytogenetic location: 5p15.33.
Variant type: single nucleotide variant.
Coding change: c.1260+2T>A on transcript NM_004168.4 (MANE Select); the canonical splice donor site of the intron after coding-DNA position 1260, T replaced by A.
Molecular consequence: splice donor variant.
Genome position (GRCh38, 1-based): chr5:235,341, T>A. VCF-style: chr5-235341-T-A. GRCh37 (hg19) VCF-style: chr5-235456-T-A.
Other names: c.1260+2T>A (NM_001330758.2); c.1116+2T>A (NM_001294332.2).
Identifiers: ClinVar variation 851140 (VCV000851140.29), dbSNP rs1735710103, ClinGen allele CA359013789.

ClinVar aggregate classification (germline): Likely pathogenic. Review status: criteria provided, multiple submitters, no conflicts (2 of 4 stars). 2 submissions from 2 submitters: Likely pathogenic (2). Last evaluated 2025-12-24.

Conditions:
Mitochondrial complex II deficiency, nuclear type 1. Also called: SUCCINATE CoQ REDUCTASE DEFICIENCY. Identifiers: Orphanet 3208, MedGen C5700310, MONDO:0100294, OMIM 252011.
Pheochromocytoma/paraganglioma syndrome 5. Also called: Paragangliomas 5; SDHA-Related Hereditary Paraganglioma-Pheochromocytoma Syndrome. Identifiers: Orphanet 29072, MedGen C3279992, MONDO:0013602, OMIM 614165.

Submissions (2):

Labcorp Genetics (formerly Invitae), Labcorp
Classification: Likely pathogenic for Pheochromocytoma/paraganglioma syndrome 5; Mitochondrial complex II deficiency, nuclear type 1. Last evaluated: 2025-12-24. Review status: criteria provided, single submitter. Criteria: Invitae Variant Classification Sherloc (09022015). Collection method: clinical testing. Allele origin: germline.
Comment: This sequence change affects a donor splice site in intron 9 of the SDHA gene. It is expected to disrupt RNA splicing. Variants that disrupt the donor or acceptor splice site typically lead to a loss of protein function (PMID: 16199547), and loss-of-function variants in SDHA are known to be pathogenic (PMID: 22974104, 24781757). This variant is not present in population databases (gnomAD no frequency). This variant has not been reported in the literature in individuals affected with SDHA-related conditions. ClinVar contains an entry for this variant (Variation ID: 851140). Algorithms developed to predict the effect of sequence changes on RNA splicing suggest that this variant may disrupt the consensus splice site. In summary, the currently available evidence indicates that the variant is pathogenic, but additional data are needed to prove that conclusively. Therefore, this variant has been classified as Likely Pathogenic.

Institute for Clinical Genetics, University Hospital TU Dresden, University Hospital TU Dresden
Classification: Likely pathogenic. Last evaluated: 2021-11-03. Review status: criteria provided, single submitter. Criteria: ACMG Guidelines, 2015. Collection method: clinical testing. Allele origin: germline.

Literature cited by the submitters: PubMed 16199547 (cited by Labcorp Genetics (formerly Invitae), Labcorp); PubMed 22974104 (cited by Labcorp Genetics (formerly Invitae), Labcorp); PubMed 24781757 (cited by Labcorp Genetics (formerly Invitae), Labcorp).